The following is an entry in ClinVar:

ClinVar aggregate classification (germline): Uncertain significance (1 of 4 stars; one submission).

Conditions:
Charcot-Marie-Tooth Neuropathy X. Identifiers: MedGen CN118851.

Submission:

Labcorp Genetics (formerly Invitae), Labcorp
Classification: Uncertain significance for Charcot-Marie-Tooth Neuropathy X. Last evaluated: 2023-07-17. Review status: criteria provided, single submitter. Criteria: Invitae Variant Classification Sherloc (09022015). Collection method: clinical testing. Allele origin: germline.
Comment: This missense change has been observed in individual(s) with clinical features of Charcot-Marie-Tooth disease (PMID: 28768847). This sequence change replaces threonine, which is neutral and polar, with isoleucine, which is neutral and non-polar, at codon 185 of the GJB1 protein (p.Thr185Ile). This variant is not present in population databases (gnomAD no frequency). ClinVar contains an entry for this variant (Variation ID: 2138609). Advanced modeling of protein sequence and biophysical properties (such as structural, functional, and spatial information, amino acid conservation, physicochemical variation, residue mobility, and thermodynamic stability) performed at Invitae indicates that this missense variant is expected to disrupt GJB1 protein function. In summary, the available evidence is currently insufficient to determine the role of this variant in disease. Therefore, it has been classified as a Variant of Uncertain Significance.

Literature cited by the submitters: PubMed 28768847.

NM_000166.6(GJB1):c.554C>T (p.Thr185Ile)

Gene: GJB1 (gap junction protein beta 1; plus strand). Cytogenetic location: Xq13.1.
Variant type: single nucleotide variant.
Coding change: c.554C>T on transcript NM_000166.6 (MANE Select); coding-DNA position 554, C replaced by T.
Protein change: p.Thr185Ile; replaces threonine 185 with isoleucine.
Molecular consequence: missense variant.
Genome position (GRCh38, 1-based): chrX:71,224,261, C>T. VCF-style: chrX-71224261-C-T. GRCh37 (hg19) VCF-style: chrX-70444111-C-T.
Other names: c.554C>T, p.Thr185Ile (NM_001097642.3); short protein forms T185I.
Identifiers: ClinVar variation 2138609 (VCV002138609.4), dbSNP rs2519798802, ClinGen allele CA413503150.